The following is an entry in ClinVar:

ClinVar aggregate classification (germline): Conflicting classifications of pathogenicity. Review status: criteria provided, conflicting classifications (1 of 4 stars). 5 submissions from 1 submitter: Uncertain significance (3); Benign (2). Last evaluated 2018-01-13.

Conditions:
Early-onset myopathy with fatal cardiomyopathy (CMYO5). Also called: CONGENITAL MYOPATHY 5 WITH CARDIOMYOPATHY; Salih Myopathy. Identifiers: Orphanet 289377, MedGen C2673677, MONDO:0012714, OMIM 611705. Disease mechanism: loss of function.
Myopathy, myofibrillar, 9, with early respiratory failure (MFM9). Also called: Myopathy, distal, with early respiratory failure, autosomal dominant; Hereditary myopathy with early respiratory failure; EDSTROM MYOPATHY; MYOPATHY, PROXIMAL, WITH EARLY RESPIRATORY MUSCLE INVOLVEMENT. Identifiers: Orphanet 178464, Orphanet 34521, MedGen C1863599, MONDO:0011362, OMIM 603689.
Autosomal recessive limb-girdle muscular dystrophy type 2J (LGMDR10). Also called: MUSCULAR DYSTROPHY, LIMB-GIRDLE, AUTOSOMAL RECESSIVE 10; Limb-girdle muscular dystrophy, type 2J. Identifiers: Orphanet 140922, MedGen C1837342, MONDO:0012127, OMIM 608807.
Tibial muscular dystrophy (TMD). Also called: Udd Distal Myopathy – Tibial Muscular Dystrophy; UDD MYOPATHY; Tibial muscular dystrophy, tardive. Identifiers: Orphanet 609, MedGen C1838244, MONDO:0010870, OMIM 600334.
Dilated cardiomyopathy 1G (CMD1G). Identifiers: Orphanet 154, MedGen C1858763, MONDO:0011400, OMIM 604145.

gnomAD v4.1: 31 of 1,612,790 alleles (0.0019%); highest among the groups gnomAD compares: South Asian, 0.034%; no homozygotes.

Submissions (5):

Illumina Laboratory Services, Illumina
Classification: Uncertain significance for Dilated cardiomyopathy 1G. Last evaluated: 2018-01-13. Review status: criteria provided, single submitter. Criteria: ICSL Variant Classification Criteria 13 December 2019. Collection method: clinical testing. Allele origin: germline.

Illumina Laboratory Services, Illumina
Classification: Uncertain significance for Autosomal recessive limb-girdle muscular dystrophy type 2J. Last evaluated: 2018-01-13. Review status: criteria provided, single submitter. Criteria: ICSL Variant Classification Criteria 13 December 2019. Collection method: clinical testing. Allele origin: germline.

Illumina Laboratory Services, Illumina
Classification: Uncertain significance for Early-onset myopathy with fatal cardiomyopathy. Last evaluated: 2018-01-13. Review status: criteria provided, single submitter. Criteria: ICSL Variant Classification Criteria 13 December 2019. Collection method: clinical testing. Allele origin: germline.

Illumina Laboratory Services, Illumina
Classification: Benign for Myopathy, myofibrillar, 9, with early respiratory failure. Last evaluated: 2018-01-13. Review status: criteria provided, single submitter. Criteria: ICSL Variant Classification Criteria 13 December 2019. Collection method: clinical testing. Allele origin: germline.
Comment: This variant was observed in the ICSL laboratory as part of a predisposition screen in an ostensibly healthy population. It had not been previously curated by ICSL or reported in the Human Gene Mutation Database (HGMD: prior to June 1st, 2018), and was therefore a candidate for classification through an automated scoring system. Utilizing variant allele frequency, disease prevalence and penetrance estimates, and inheritance mode, an automated score was calculated to assess if this variant is too frequent to cause the disease. Based on the score and internal cut-off values, a variant classified as benign is not then subjected to further curation. The score for this variant resulted in a classification of benign for this disease.

Illumina Laboratory Services, Illumina
Classification: Benign for Tibial muscular dystrophy. Last evaluated: 2018-01-13. Review status: criteria provided, single submitter. Criteria: ICSL Variant Classification Criteria 13 December 2019. Collection method: clinical testing. Allele origin: germline.
Comment: the same text as in the submission from Illumina Laboratory Services, Illumina above.

NM_001267550.2(TTN):c.64119A>C (p.Leu21373Phe)

Genes: TTN (titin; minus strand), TTN-AS1 (TTN antisense RNA 1; plus strand). Cytogenetic location: 2q31.2.
Variant type: single nucleotide variant.
Coding change: c.64119A>C on transcript NM_001267550.2 (MANE Select); coding-DNA position 64119, A replaced by C.
Protein change: p.Leu21373Phe; replaces leucine 21373 with phenylalanine.
Molecular consequence: missense variant.
Genome position (GRCh38, 1-based): chr2:178,586,782, T>G on the plus strand (A>C on the coding strand, the complement: TTN is on the minus strand). VCF-style: chr2-178586782-T-G. GRCh37 (hg19) VCF-style: chr2-179451509-T-G.
Other names: c.59196A>C, p.Leu19732Phe (NM_001256850.1); c.36924A>C, p.Leu12308Phe (NM_003319.4); c.56415A>C, p.Leu18805Phe (NM_133378.4); c.37299A>C, p.Leu12433Phe (NM_133432.3); c.37500A>C, p.Leu12500Phe (NM_133437.4); short protein forms L18805F, L21373F, L12308F, L19732F, L12433F, L12500F.
Identifiers: ClinVar variation 332811 (VCV000332811.5), dbSNP rs753245626, ClinGen allele CA1991949.